The following is an entry in ClinVar:

NM_001267550.2(TTN):c.5967del (p.Val1990fs)

Gene: TTN (titin; minus strand). Cytogenetic location: 2q31.2.
Variant type: Deletion.
Coding change: c.5967del on transcript NM_001267550.2 (MANE Select); coding-DNA position 5967, one base deleted (A; older notation c.5967delA).
Protein change: p.Val1990fs; shifts the reading frame from valine 1990.
Molecular consequence: frameshift variant.
Genome position (GRCh38, 1-based): chr2:178,775,897, T deleted on the plus strand (A on the coding strand, the reverse complement: TTN is on the minus strand); the first of 5 consecutive T bases (chr2:178,775,897-178,775,901); deleting any one gives the same sequence. VCF-style (leftmost placement, unchanged base first): chr2-178775896-CT-C. GRCh37 (hg19) VCF-style: chr2-179640623-CT-C.
Other names: c.5967del, p.Val1990fs (NM_001256850.1, NM_133378.4, NM_133379.5); c.5829del, p.Val1944fs (NM_003319.4, NM_133432.3, NM_133437.4); short protein forms V1944fs, V1990fs.
Identifiers: ClinVar variation 4786413 (VCV004786413.1).
Genomic context (GRCh38, chr2:178,775,896, plus strand): 5'-AATAGCCCTCTTCTGTTCTGCGCTTGAATTTACTGCGCAGCTCTTCCGACTCTTCAGGCA[CT>C]TTTTCATGGGTAATTCTTTCAGCCCTTTTCAACTTCACAACTTCTTTGGTTTCAGTGGTG-3'

ClinVar aggregate classification (germline): Likely pathogenic (1 of 4 stars; one submission).

Conditions:
Autosomal recessive limb-girdle muscular dystrophy type 2J (LGMDR10). Also called: Limb-girdle muscular dystrophy, type 2J; MUSCULAR DYSTROPHY, LIMB-GIRDLE, AUTOSOMAL RECESSIVE 10. Identifiers: Orphanet 140922, MedGen C1837342, MONDO:0012127, OMIM 608807.
Dilated cardiomyopathy 1G (CMD1G). Identifiers: Orphanet 154, MedGen C1858763, MONDO:0011400, OMIM 604145.

Submission:

Labcorp Genetics (formerly Invitae), Labcorp
Classification: Likely pathogenic for Dilated cardiomyopathy 1G; Autosomal recessive limb-girdle muscular dystrophy type 2J. Last evaluated: 2025-10-13. Review status: criteria provided, single submitter. Criteria: Invitae Variant Classification Sherloc (09022015). Collection method: clinical testing. Allele origin: germline.
Comment: This sequence change creates a premature translational stop signal (p.Val1990Cysfs*56) in the TTN gene. While this is not anticipated to result in nonsense mediated decay, it is expected to create a truncated TTN protein. This variant is not present in population databases (gnomAD no frequency). This variant has not been reported in the literature in individuals affected with TTN-related conditions. This variant is located in the Z band of TTN (PMID: 25589632). Truncating variants in this region have been reported in individuals affected with autosomal recessive centronuclear myopathy (PMID: 33449170, internal data). Truncating variants in this region have also been identified in individuals affected with autosomal dominant dilated cardiomyopathy and/or cardio-related conditions (PMID: 27869827, 32964742, internal data). In summary, the currently available evidence indicates that the variant is pathogenic, but additional data are needed to prove that conclusively. Therefore, this variant has been classified as Likely Pathogenic.

Literature cited by the submitters: PubMed 25589632; PubMed 33449170; PubMed 27869827; PubMed 32964742.